The following is an entry in ClinVar:

NM_000216.4(ANOS1):c.754G>A (p.Asp252Asn)

Gene: ANOS1 (anosmin 1; minus strand). Cytogenetic location: Xp22.31.
Variant type: single nucleotide variant.
Coding change: c.754G>A on transcript NM_000216.4 (MANE Select); coding-DNA position 754, G replaced by A.
Protein change: p.Asp252Asn; replaces aspartic acid 252 with asparagine.
Molecular consequence: missense variant.
Genome position (GRCh38, 1-based): chrX:8,585,369, C>T on the plus strand (G>A on the coding strand, the complement: ANOS1 is on the minus strand). VCF-style: chrX-8585369-C-T. GRCh37 (hg19) VCF-style: chrX-8553410-C-T.
Other names: short protein forms D252N.
Identifiers: ClinVar variation 3677829 (VCV003677829.2).

ClinVar aggregate classification (germline): Uncertain significance (1 of 4 stars; one submission).

Conditions:
Hypogonadotropic hypogonadism 1 with or without anosmia (HH1). Also called: Kallmann syndrome, type 1, X-linked; DYSPLASIA OLFACTOGENITALIS OF DE MORSIER; HYPOGONADOTROPIC HYPOGONADISM AND ANOSMIA; HYPOGONADOTROPIC HYPOGONADISM 1 WITH ANOSMIA; KAL1-Related GnRH Deficiency (Kallmann Syndrome 1; Kallmann Syndrome, X-Linked); Hypogonadotropic hypogonadism 1 with or without anosmia (Kallmann syndrome 1). Identifiers: Orphanet 478, MedGen C1563719, MONDO:0010635, OMIM 308700. Disease mechanism: loss of function.

Submission:

Labcorp Genetics (formerly Invitae), Labcorp
Classification: Uncertain significance for Hypogonadotropic hypogonadism 1 with or without anosmia. Last evaluated: 2025-03-18. Review status: criteria provided, single submitter. Criteria: Invitae Variant Classification Sherloc (09022015). Collection method: clinical testing. Allele origin: germline.
Comment: This sequence change replaces aspartic acid, which is acidic and polar, with asparagine, which is neutral and polar, at codon 252 of the ANOS1 protein (p.Asp252Asn). This variant is present in population databases (rs752972655, gnomAD 0.005%), including at least one homozygous and/or hemizygous individual. This variant has not been reported in the literature in individuals affected with ANOS1-related conditions. Invitae Evidence Modeling of protein sequence and biophysical properties (such as structural, functional, and spatial information, amino acid conservation, physicochemical variation, residue mobility, and thermodynamic stability) indicates that this missense variant is not expected to disrupt ANOS1 protein function with a negative predictive value of 80%. In summary, the available evidence is currently insufficient to determine the role of this variant in disease. Therefore, it has been classified as a Variant of Uncertain Significance.